The following is an entry in ClinVar:

ClinVar aggregate classification (germline): Uncertain significance (1 of 4 stars; one submission).

gnomAD v4.1: 138 of 1,532,810 alleles (0.009%); highest among the groups gnomAD compares: South Asian, 0.011%; 4 homozygotes.

Submission:

Ambry Genetics
Classification: Uncertain significance. Last evaluated: 2026-01-21. Review status: criteria provided, single submitter. Criteria: Ambry Variant Classification Scheme 2023. Collection method: clinical testing. Allele origin: germline.
Comment: The c.1255G>A (p.E419K) alteration is located in exon 1 (coding exon 1) of the USP17L2 gene. This alteration results from a G to A substitution at nucleotide position 1255, causing the glutamic acid (E) at amino acid position 419 to be replaced by a lysine (K). Based on data from gnomAD, the A allele has an overall frequency of 0.004% (11/259526) total alleles studied. The highest observed frequency was 0.015% (1/6752) of Other alleles. Based on insufficient or conflicting evidence, the clinical significance of this alteration remains unclear.

NM_201402.3(USP17L2):c.1255G>A (p.Glu419Lys)

Genes: FAM66D (family with sequence similarity 66 member D), USP17L2 (ubiquitin specific peptidase 17 like family member 2; minus strand). Cytogenetic location: 8p23.1.
Variant type: single nucleotide variant.
Coding change: c.1255G>A on transcript NM_201402.3 (MANE Select); coding-DNA position 1255, G replaced by A.
Protein change: p.Glu419Lys; replaces glutamic acid 419 with lysine.
Molecular consequence: missense variant.
Genome position (GRCh38, 1-based): chr8:12,137,506, C>T on the plus strand (G>A on the coding strand, the complement: USP17L2 is on the minus strand). VCF-style: chr8-12137506-C-T. GRCh37 (hg19) VCF-style: chr8-11995015-C-T.
Other names: short protein forms E419K.
Identifiers: ClinVar variation 4828335 (VCV004828335.1).